The following is an entry in ClinVar:

NM_012431.3(SEMA3E):c.2199G>T (p.Trp733Cys)

Gene: SEMA3E (semaphorin 3E; minus strand). Cytogenetic location: 7q21.11.
Variant type: single nucleotide variant.
Coding change: c.2199G>T on transcript NM_012431.3 (MANE Select); coding-DNA position 2199, G replaced by T.
Protein change: p.Trp733Cys; replaces tryptophan 733 with cysteine.
Molecular consequence: missense variant.
Genome position (GRCh38, 1-based): chr7:83,367,715, C>A on the plus strand (G>T on the coding strand, the complement: SEMA3E is on the minus strand). VCF-style: chr7-83367715-C-A. GRCh37 (hg19) VCF-style: chr7-82997031-C-A.
Other names: c.2019G>T, p.Trp673Cys (NM_001178129.2); short protein forms W673C, W733C.
Identifiers: ClinVar variation 3022108 (VCV003022108.3), dbSNP rs2484246547, ClinGen allele CA367912962.

ClinVar aggregate classification (germline): Uncertain significance (1 of 4 stars; one submission).

Conditions:
CHARGE syndrome (CHARGE). Also called: Hittner Hirsch Kreh syndrome; CHARGE ASSOCIATION--COLOBOMA, HEART ANOMALY, CHOANAL ATRESIA, RETARDATION, GENITAL AND EAR ANOMALIES; Coloboma, heart anomaly, choanal atresia, retardation, genital and ear anomalies; CHARGE association; Hall-Hittner syndrome. Identifiers: Orphanet 138, MedGen C0265354, MONDO:0008965.

Allele frequency attached by ClinVar (database versions not stated): gnomAD exomes below 0.00001.
gnomAD v4.1: 1 of 1,614,066 alleles (0.000062%); highest among the groups gnomAD compares: African/African-American, 0.0013%; no homozygotes.

Submission:

Labcorp Genetics (formerly Invitae), Labcorp
Classification: Uncertain significance for CHARGE syndrome. Last evaluated: 2023-08-16. Review status: criteria provided, single submitter. Criteria: Invitae Variant Classification Sherloc (09022015). Collection method: clinical testing. Allele origin: germline.
Comment: This sequence change replaces tryptophan, which is neutral and slightly polar, with cysteine, which is neutral and slightly polar, at codon 733 of the SEMA3E protein (p.Trp733Cys). This variant is not present in population databases (gnomAD no frequency). This variant has not been reported in the literature in individuals affected with SEMA3E-related conditions. An algorithm developed to predict the effect of missense changes on protein structure and function (PolyPhen-2) suggests that this variant is likely to be disruptive. In summary, the available evidence is currently insufficient to determine the role of this variant in disease. Therefore, it has been classified as a Variant of Uncertain Significance.